The following is an entry in ClinVar:

ClinVar aggregate classification (germline): Uncertain significance (1 of 4 stars; one submission).

gnomAD v4.1: 1 of 1,593,016 alleles (0.000063%); highest among the groups gnomAD compares: Non-Finnish European, 0.000086%; no homozygotes.

Submission:

GeneDx
Classification: Uncertain significance. Last evaluated: 2025-04-07. Review status: criteria provided, single submitter. Criteria: GeneDx Variant Classification Process June 2021. Collection method: clinical testing. Allele origin: germline. Affected: yes.
Comment: Not observed at significant frequency in large population cohorts (gnomAD); In silico analysis supports that this missense variant has a deleterious effect on protein structure/function; Has not been previously published as pathogenic or benign to our knowledge

NM_001010942.3(RAP1B):c.305G>A (p.Arg102Gln)

Gene: RAP1B (RAP1B, member of RAS oncogene family; plus strand). Cytogenetic location: 12q15.
Variant type: single nucleotide variant.
Coding change: c.305G>A on transcript NM_001010942.3 (MANE Select); coding-DNA position 305, G replaced by A.
Protein change: p.Arg102Gln; replaces arginine 102 with glutamine.
Molecular consequence: missense variant. On other transcripts: intron variant (1).
Genome position (GRCh38, 1-based): chr12:68,654,233, G>A. VCF-style: chr12-68654233-G-A. GRCh37 (hg19) VCF-style: chr12-69048013-G-A.
Other names: c.179G>A, p.Arg60Gln (NM_001251917.2, NM_001251918.2); c.248G>A, p.Arg83Gln (NM_001251921.2); c.305G>A, p.Arg102Gln (NM_015646.6); c.184-2073G>A (NM_001251922.2); short protein forms R102Q, R60Q, R83Q.
Identifiers: ClinVar variation 4281935 (VCV004281935.1).